The following is an entry in ClinVar:

ClinVar aggregate classification (germline): Uncertain significance (1 of 4 stars; one submission).

Allele frequency attached by ClinVar (database versions not stated): TOPMed 0.00001; gnomAD 0.00002; gnomAD exomes 0.00002.
gnomAD v4.1: 29 of 1,560,202 alleles (0.0019%); highest among the groups gnomAD compares: Non-Finnish European, 0.0025%; no homozygotes.

Submission:

Labcorp Genetics (formerly Invitae), Labcorp
Classification: Uncertain significance. Last evaluated: 2024-05-23. Review status: criteria provided, single submitter. Criteria: Invitae Variant Classification Sherloc (09022015). Collection method: clinical testing. Allele origin: germline.
Comment: This sequence change replaces serine, which is neutral and polar, with asparagine, which is neutral and polar, at codon 1252 of the RIMS1 protein (p.Ser1252Asn). This variant is present in population databases (no rsID available, gnomAD 0.001%). This variant has not been reported in the literature in individuals affected with RIMS1-related conditions. ClinVar contains an entry for this variant (Variation ID: 1019584). An algorithm developed to predict the effect of missense changes on protein structure and function (PolyPhen-2) suggests that this variant is likely to be disruptive. In summary, the available evidence is currently insufficient to determine the role of this variant in disease. Therefore, it has been classified as a Variant of Uncertain Significance.

NM_014989.7(RIMS1):c.3755G>A (p.Ser1252Asn)

Gene: RIMS1 (regulating synaptic membrane exocytosis 1; plus strand). Cytogenetic location: 6q13.
Variant type: single nucleotide variant.
Coding change: c.3755G>A on transcript NM_014989.7 (MANE Select); coding-DNA position 3755, G replaced by A.
Protein change: p.Ser1252Asn; replaces serine 1252 with asparagine.
Molecular consequence: missense variant.
Genome position (GRCh38, 1-based): chr6:72,291,951, G>A. VCF-style: chr6-72291951-G-A. GRCh37 (hg19) VCF-style: chr6-73001654-G-A.
Other names: c.1646G>A, p.Ser549Asn (NM_001350414.2, NM_001350430.2, NM_001350439.2 and 2 more transcripts); c.1799G>A, p.Ser600Asn (NM_001350415.2, NM_001350445.2); c.1718G>A, p.Ser573Asn (NM_001350416.2, NM_001350417.2, NM_001350448.2); c.1721G>A, p.Ser574Asn (NM_001350418.2); c.1490G>A, p.Ser497Asn (NM_001350419.2, NM_001350423.2, NM_001350444.2); c.1829G>A, p.Ser610Asn (NM_001350420.2); c.1574G>A, p.Ser525Asn (NM_001350421.2, NM_001350450.2); c.1715G>A, p.Ser572Asn (NM_001350422.2, NM_001168407.2); and 31 more; short protein forms S1252N, S416N, S441N, S467N, S468N, S483N, S491N, S492N.
Identifiers: ClinVar variation 1019584 (VCV001019584.10), dbSNP rs1270038692, ClinGen allele CA364689564.